The following is an entry in ClinVar:

NM_000059.4(BRCA2):c.3688T>G (p.Ser1230Ala)

Gene: BRCA2 (BRCA2 DNA repair associated; plus strand). Cytogenetic location: 13q13.1.
Variant type: single nucleotide variant.
Coding change: c.3688T>G on transcript NM_000059.4 (MANE Select); coding-DNA position 3688, T replaced by G.
Protein change: p.Ser1230Ala; replaces serine 1230 with alanine.
Molecular consequence: missense variant.
Genome position (GRCh38, 1-based): chr13:32,338,043, T>G. VCF-style: chr13-32338043-T-G. GRCh37 (hg19) VCF-style: chr13-32912180-T-G.
Other names: short protein forms S1230A.
Identifiers: ClinVar variation 232767 (VCV000232767.5), dbSNP rs876659979, ClinGen allele CA10579586.

ClinVar aggregate classification (germline): Conflicting classifications of pathogenicity. Review status: criteria provided, conflicting classifications (1 of 4 stars). 2 submissions from 2 submitters: Uncertain significance (1); Likely benign (1). Last evaluated 2023-03-23.

Conditions:
Hereditary cancer-predisposing syndrome. Also called: Neoplastic Syndromes, Hereditary; Tumor predisposition; Hereditary Cancer Syndrome; Hereditary neoplastic syndrome. Identifiers: Orphanet 140162, MedGen C0027672, MeSH D009386, MONDO:0015356.

gnomAD v4.1: 1 of 1,611,938 alleles (0.000062%); highest among the groups gnomAD compares: Non-Finnish European, 0.000085%; no homozygotes.

Submissions (2):

University of Washington Department of Laboratory Medicine, University of Washington
Classification: Likely benign for Hereditary cancer-predisposing syndrome. Last evaluated: 2023-03-23. Review status: criteria provided, single submitter. Criteria: Dines et al. (Genet Med. 2020). Collection method: curation. Allele origin: germline.
Comment: Missense variant in a coldspot region where missense variants are very unlikely to be pathogenic (PMID:31911673).

BRCA2 exon 11 coldspot. Reclassification based on statistical prior probability.

Ambry Genetics
Classification: Uncertain significance for Hereditary cancer-predisposing syndrome. Last evaluated: 2015-06-24. Review status: criteria provided, single submitter. Criteria: Ambry Autosomal Dominant and X-Linked criteria (10/2015). Collection method: clinical testing. Allele origin: germline. Observed: 1 variant allele.
Comment: The p.S1230A variant (also known as c.3688T>G or3916T<span style="background-color:rgb(255, 255, 255); font-family:sans-serif,arial,verdana,trebuchet ms; font-size:13px">>G), located in coding exon 10 of the BRCA2 gene, results from a T to G substitution at nucleotide position 3688. The serine at codon 1230 is replaced by alanine, an amino acid with similar properties. This variant was not reported in population based cohorts in the following databases: Database of Single Nucleotide Polymorphisms (dbSNP), NHLBI Exome Sequencing Project (ESP), and 1000 Genomes Project. In the ESP, this variant was not observed in 6502 samples (13004 alleles) with coverage of 6502 at this position.To date, this alteration has been detected with an allele frequency of approximately 0.001% (greater than 105000 alleles tested) in our clinical cohort.This amino acid position is well conserved in available vertebrate species.In addition, this alteration is predicted to be tolerated by in silico analysis.Since supporting evidence is limited at this time, the clinical significance of p.S1230Aremains unclear.